The following is an entry in ClinVar:

ClinVar aggregate classification (germline): Benign/Likely benign. Review status: criteria provided, multiple submitters, no conflicts (2 of 4 stars). 3 submissions from 3 submitters: Benign (1); Likely benign (2). Last evaluated 2025-02-18.

Conditions:
Breast-ovarian cancer, familial, susceptibility to, 3. Also called: RAD51C-Related Breast/Ovarian Cancer. Identifiers: Orphanet 145, MedGen C3150659, MONDO:0013253, OMIM 613399.
Fanconi anemia complementation group O. Also called: RAD51C-Related Fanconi Anemia. Identifiers: Orphanet 84, MedGen C3150653, MONDO:0013248, OMIM 613390.

Submissions (3):

Myriad Genetics, Inc.
Classification: Benign for Breast-ovarian cancer, familial, susceptibility to, 3. Last evaluated: 2025-02-18. Review status: criteria provided, single submitter. Criteria: Myriad Autosomal Dominant, Autosomal Recessive and X-Linked Classification Criteria (2023). Collection method: clinical testing. Allele origin: unknown.
Comment: This variant is considered benign. This variant is a silent/synonymous amino acid change and it is not expected to impact splicing.

Labcorp Genetics (formerly Invitae), Labcorp
Classification: Likely benign for Fanconi anemia complementation group O. Last evaluated: 2024-08-22. Review status: criteria provided, single submitter. Criteria: Invitae Variant Classification Sherloc (09022015). Collection method: clinical testing. Allele origin: germline.

Women's Health and Genetics/Laboratory Corporation of America, LabCorp
Classification: Likely benign. Last evaluated: 2023-02-25. Review status: criteria provided, single submitter. Criteria: LabCorp Variant Classification Summary - May 2015. Collection method: clinical testing. Allele origin: germline.

NM_058216.3(RAD51C):c.711A>T (p.Arg237=)

Gene: RAD51C (RAD51 paralog C; plus strand). Cytogenetic location: 17q22.
Variant type: single nucleotide variant.
Coding change: c.711A>T on transcript NM_058216.3 (MANE Select); coding-DNA position 711, A replaced by T.
Protein change: p.Arg237=; no amino-acid change (arginine 237 retained).
Molecular consequence: synonymous variant. On other transcripts: non-coding transcript variant (1).
Genome position (GRCh38, 1-based): chr17:58,709,864, A>T. VCF-style: chr17-58709864-A-T. GRCh37 (hg19) VCF-style: chr17-56787225-A-T.
Other names: c.*139A>T (NM_058217.1).
Identifiers: ClinVar variation 2445976 (VCV002445976.5), dbSNP rs2143850133, ClinGen allele CA501075506.